The following is an entry in ClinVar:

NM_032977.4(CASP10):c.760A>G (p.Arg254Gly)

Gene: CASP10 (caspase 10; plus strand). Cytogenetic location: 2q33.1.
Variant type: single nucleotide variant.
Coding change: c.760A>G on transcript NM_032977.4 (MANE Select); coding-DNA position 760, A replaced by G.
Protein change: p.Arg254Gly; replaces arginine 254 with glycine.
Molecular consequence: missense variant. On other transcripts: intron variant (4).
Genome position (GRCh38, 1-based): chr2:201,205,920, A>G. VCF-style: chr2-201205920-A-G. GRCh37 (hg19) VCF-style: chr2-202070643-A-G.
Other names: c.721+2154A>G (NM_032976.4, NM_001206524.2); c.685-2155A>G (NM_001230.5, NM_001206542.2); c.760A>G, p.Arg254Gly (NM_032974.5); short protein forms R254G.
Identifiers: ClinVar variation 1044093 (VCV001044093.11), dbSNP rs781669542, ClinGen allele CA2053041.

ClinVar aggregate classification (germline): Uncertain significance (1 of 4 stars; one submission).

Conditions:
Autoimmune lymphoproliferative syndrome type 2A (ALPS2A). Also called: Autoimmune lymphoproliferative syndrome type 2; CASP10-Related Autoimmune Lymphoproliferative Syndrome; AUTOIMMUNE LYMPHOPROLIFERATIVE SYNDROME, TYPE IIA. Identifiers: Orphanet 3261, MedGen C1858968, MONDO:0011383, OMIM 603909.

Allele frequency attached by ClinVar (database versions not stated): ExAC 0.00001.
gnomAD v4.1: 3 of 1,613,492 alleles (0.00019%); highest among the groups gnomAD compares: Admixed American, 0.005%; no homozygotes.

Submission:

Labcorp Genetics (formerly Invitae), Labcorp
Classification: Uncertain significance for Autoimmune lymphoproliferative syndrome type 2A. Last evaluated: 2024-10-15. Review status: criteria provided, single submitter. Criteria: Invitae Variant Classification Sherloc (09022015). Collection method: clinical testing. Allele origin: germline.
Comment: This sequence change replaces arginine, which is basic and polar, with glycine, which is neutral and non-polar, at codon 254 of the CASP10 protein (p.Arg254Gly). This variant is present in population databases (rs781669542, gnomAD 0.006%). This variant has not been reported in the literature in individuals affected with CASP10-related conditions. ClinVar contains an entry for this variant (Variation ID: 1044093). Invitae Evidence Modeling of protein sequence and biophysical properties (such as structural, functional, and spatial information, amino acid conservation, physicochemical variation, residue mobility, and thermodynamic stability) indicates that this missense variant is not expected to disrupt CASP10 protein function with a negative predictive value of 80%. In summary, the available evidence is currently insufficient to determine the role of this variant in disease. Therefore, it has been classified as a Variant of Uncertain Significance.